The following is an entry in ClinVar:

NM_000219.6(KCNE1):c.294G>C (p.Arg98=)

Gene: KCNE1 (potassium voltage-gated channel subfamily E regulatory subunit 1; minus strand). Cytogenetic location: 21q22.12.
Variant type: single nucleotide variant.
Coding change: c.294G>C on transcript NM_000219.6 (MANE Select); coding-DNA position 294, G replaced by C.
Protein change: p.Arg98=; no amino-acid change (arginine 98 retained).
Molecular consequence: synonymous variant.
Genome position (GRCh38, 1-based): chr21:34,449,341, C>G on the plus strand (G>C on the coding strand, the complement: KCNE1 is on the minus strand). VCF-style: chr21-34449341-C-G. GRCh37 (hg19) VCF-style: chr21-35821639-C-G.
Other names: c.294G>C, p.Arg98= (NM_001127668.4, NM_001127669.4, NM_001127670.4 and 4 more transcripts).
Identifiers: ClinVar variation 3374556 (VCV003374556.2).

Conditions:
Long QT syndrome 5 (LQT5). Identifiers: Orphanet 101016, Orphanet 768, MedGen C1867904, MONDO:0013372, OMIM 613695.

Submission:

Roden Lab, Vanderbilt University Medical Center
No classification provided (evidence only). Condition: Long QT syndrome 5. Review status: no classification provided. Collection method: in vitro. Allele origin: not applicable. Functional consequence: Effect on ion channel function.
ClinVar note: "not provided" was previously submitted as the classification for the variant. However, the classification appeared to be based only on an observation of functional data so it was converted to no classification on 2025-07-30.